The following is an entry in ClinVar:

ClinVar aggregate classification (germline): Likely benign. Review status: criteria provided, multiple submitters, no conflicts (2 of 4 stars). 3 submissions from 3 submitters: Likely benign (3). Last evaluated 2025-10-05.

Conditions:
Neuronal ceroid lipofuscinosis 7 (CLN7). Also called: MFSD8-Related Neuronal Ceroid-Lipofuscinosis. Identifiers: Orphanet 168491, Orphanet 228366, MedGen C1838571, MONDO:0012588, OMIM 610951.
MFSD8-related disorder. Also called: MFSD8-related condition.

gnomAD v4.1: 6 of 1,611,762 alleles (0.00037%); highest among the groups gnomAD compares: South Asian, 0.0066%; no homozygotes.

Submissions (3):

PreventionGenetics, part of Exact Sciences
Classification: Likely benign for MFSD8-related condition. Last evaluated: 2025-10-05. Review status: criteria provided, single submitter. Criteria: ACMG Guidelines, 2015. Collection method: clinical testing. Allele origin: germline.
Comment: This variant is classified as likely benign based on ACMG/AMP sequence variant interpretation guidelines (Richards et al. 2015 PMID: 25741868, with internal and published modifications).

Labcorp Genetics (formerly Invitae), Labcorp
Classification: Likely benign for Neuronal ceroid lipofuscinosis 7. Last evaluated: 2023-03-12. Review status: criteria provided, single submitter. Criteria: Invitae Variant Classification Sherloc (09022015). Collection method: clinical testing. Allele origin: germline.

Blueprint Genetics
Classification: Likely benign. Last evaluated: 2019-03-27. Review status: criteria provided, single submitter. Criteria: ACMG Guidelines, 2015. Collection method: clinical testing. Allele origin: germline.

NM_001371596.2(MFSD8):c.897C>G (p.Ala299=)

Gene: MFSD8 (major facilitator superfamily domain containing 8; minus strand). Cytogenetic location: 4q28.2.
Variant type: single nucleotide variant.
Coding change: c.897C>G on transcript NM_001371596.2 (MANE Select); coding-DNA position 897, C replaced by G.
Protein change: p.Ala299=; no amino-acid change (alanine 299 retained).
Molecular consequence: synonymous variant.
Genome position (GRCh38, 1-based): chr4:127,930,784, G>C on the plus strand (C>G on the coding strand, the complement: MFSD8 is on the minus strand). VCF-style: chr4-127930784-G-C. GRCh37 (hg19) VCF-style: chr4-128851939-G-C.
Other names: c.696C>G, p.Ala232= (NM_001363520.3); c.582C>G, p.Ala194= (NM_001363521.3); c.762C>G, p.Ala254= (NM_001371590.2); c.897C>G, p.Ala299= (NM_001371591.2, NM_152778.4); c.903C>G, p.Ala301= (NM_001371592.2); c.783C>G, p.Ala261= (NM_001371593.2, NM_001410766.1); c.750C>G, p.Ala250= (NM_001371594.2); c.615C>G, p.Ala205= (NM_001371595.1); and 2 more.
Identifiers: ClinVar variation 1532231 (VCV001532231.11), dbSNP rs747352043, ClinGen allele CA441210464.